The following is an entry in ClinVar:

NM_015450.3(POT1):c.1687-2del

Gene: POT1 (protection of telomeres 1; minus strand). Cytogenetic location: 7q31.33.
Variant type: Deletion.
Coding change: c.1687-2del on transcript NM_015450.3 (MANE Select); the canonical splice acceptor site of the intron before coding-DNA position 1687, one base deleted (A; older notation c.1687-2delA).
Molecular consequence: splice acceptor variant.
Genome position (GRCh38, 1-based): chr7:124,825,359, T deleted on the plus strand (A on the coding strand, the reverse complement: POT1 is on the minus strand); the first of 2 consecutive T bases (chr7:124,825,359-124,825,360); deleting either gives the same sequence. VCF-style (leftmost placement, unchanged base first): chr7-124825358-CT-C. GRCh37 (hg19) VCF-style: chr7-124465412-CT-C.
Other names: c.1294-2del (NM_001042594.2).
Identifiers: ClinVar variation 1778030 (VCV001778030.2), dbSNP rs2485338766, ClinGen allele CA2580076430.

ClinVar aggregate classification (germline): Uncertain significance (1 of 4 stars; one submission).

Conditions:
Hereditary cancer-predisposing syndrome. Also called: Neoplastic Syndromes, Hereditary; Tumor predisposition; Hereditary Cancer Syndrome; Hereditary neoplastic syndrome. Identifiers: Orphanet 140162, MedGen C0027672, MeSH D009386, MONDO:0015356.

Submission:

Ambry Genetics
Classification: Uncertain significance for Hereditary cancer-predisposing syndrome. Last evaluated: 2021-12-29. Review status: criteria provided, single submitter. Criteria: Ambry Variant Classification Scheme 2023. Collection method: clinical testing. Allele origin: germline.
Comment: The c.1687-2delA intronic variant, located in intron 13 of the POT1 gene, results from a deletion of one nucleotide within intron 13 of the POT1 gene. This nucleotide position is highly conserved in available vertebrate species. In silico splice site analysis predicts that this alteration will not have any significant effect on splicing. Since supporting evidence is limited at this time, the clinical significance of this alteration remains unclear.